The following is an entry in ClinVar:

NM_007294.4(BRCA1):c.5062G>A (p.Val1688Ile)

Gene: BRCA1 (BRCA1 DNA repair associated; minus strand). Cytogenetic location: 17q21.31.
Variant type: single nucleotide variant.
Coding change: c.5062G>A on transcript NM_007294.4 (MANE Select); coding-DNA position 5062, G replaced by A.
Protein change: p.Val1688Ile; replaces valine 1688 with isoleucine.
Molecular consequence: missense variant. On other transcripts: non-coding transcript variant (1).
Genome position (GRCh38, 1-based): chr17:43,067,620, C>T on the plus strand (G>A on the coding strand, the complement: BRCA1 is on the minus strand). VCF-style: chr17-43067620-C-T. GRCh37 (hg19) VCF-style: chr17-41219637-C-T.
Other names: c.4849G>A, p.Val1617Ile (NM_001407571.1, NM_001407896.1, NM_001407897.1 and 12 more transcripts); c.5128G>A, p.Val1710Ile (NM_001407581.1, NM_001407582.1); c.5125G>A, p.Val1709Ile (NM_001407583.1, NM_001407585.1, NM_001407587.1 and 1 more transcripts); c.5122G>A, p.Val1708Ile (NM_001407590.1, NM_001407591.1); c.5062G>A, p.Val1688Ile (NM_001407593.1, NM_001407594.1, NM_001407596.1 and 8 more transcripts); c.5059G>A, p.Val1687Ile (NM_001407610.1, NM_001407611.1, NM_001407612.1 and 17 more transcripts); c.5056G>A, p.Val1686Ile (NM_001407627.1, NM_001407628.1, NM_001407629.1 and 14 more transcripts); c.5053G>A, p.Val1685Ile (NM_001407645.1, NM_001407644.1); and 70 more; short protein forms V584I, V1688I, V1709I, V1641I, V1577I, V1619I, V1640I, V1645I.
Identifiers: ClinVar variation 868974 (VCV000868974.11), dbSNP rs2052159968, ClinGen allele CA10591397.

ClinVar aggregate classification (germline): Uncertain significance (1 of 4 stars; one submission).

Conditions:
Hereditary breast ovarian cancer syndrome. Also called: Hereditary breast and ovarian cancer; Hereditary breast and ovarian cancer syndrome (HBOC); Breast and ovarian cancer; Hereditary breast and/or ovarian cancer syndrome; BRCA1- and BRCA2-Associated Hereditary Breast and Ovarian Cancer; Hereditary breast and ovarian cancer syndrome. Identifiers: Orphanet 145, MedGen C0677776, MeSH D061325, MONDO:0003582. Disease mechanism: loss of function.

Submissions (2):

Labcorp Genetics (formerly Invitae), Labcorp
Classification: Uncertain significance for Hereditary breast ovarian cancer syndrome. Last evaluated: 2023-01-20. Review status: criteria provided, single submitter. Criteria: Invitae Variant Classification Sherloc (09022015). Collection method: clinical testing. Allele origin: germline.
Comment: This variant is not present in population databases (gnomAD no frequency). In summary, the available evidence is currently insufficient to determine the role of this variant in disease. Therefore, it has been classified as a Variant of Uncertain Significance. This variant disrupts the p.Val1688 amino acid residue in BRCA1. Other variant(s) that disrupt this residue have been determined to be pathogenic (PMID: 8968102, 11157798, 17924331, 18165637, 18703817, 18821011, 19706752, 21990134, 23697973, 23867111, 25814778, 26306726). This suggests that this residue is clinically significant, and that variants that disrupt this residue are likely to be disease-causing. Experimental studies have shown that this missense change does not substantially affect BRCA1 function (PMID: 30209399). Advanced modeling performed at Invitae incorporating data from internal and/or published experimental studies (PMID: 30209399) indicates that this missense variant is not expected to disrupt BRCA1 function. ClinVar contains an entry for this variant (Variation ID: 868974). This variant has not been reported in the literature in individuals affected with BRCA1-related conditions. This sequence change replaces valine, which is neutral and non-polar, with isoleucine, which is neutral and non-polar, at codon 1688 of the BRCA1 protein (p.Val1688Ile).

Brotman Baty Institute, University of Washington
No classification provided (evidence only). Condition: Breast-ovarian cancer, familial 1. Review status: no classification provided. Collection method: in vitro. Allele origin: not applicable. Functional consequence: functionally_normal. Not counted in ClinVar's aggregate classification.
ClinVar note: "not provided" was previously submitted as the classification for the variant. However, the classification appeared to be based only on an observation of functional data so it was converted to no classification on 2025-07-30.

Literature cited by the submitters: PubMed 8968102 (cited by Labcorp Genetics (formerly Invitae), Labcorp); PubMed 11157798 (cited by Labcorp Genetics (formerly Invitae), Labcorp); PubMed 17924331 (cited by Labcorp Genetics (formerly Invitae), Labcorp); PubMed 18165637 (cited by Labcorp Genetics (formerly Invitae), Labcorp); PubMed 18703817 (cited by Labcorp Genetics (formerly Invitae), Labcorp); PubMed 18821011 (cited by Labcorp Genetics (formerly Invitae), Labcorp); PubMed 19706752 (cited by Labcorp Genetics (formerly Invitae), Labcorp); PubMed 21990134 (cited by Labcorp Genetics (formerly Invitae), Labcorp); PubMed 23697973 (cited by Labcorp Genetics (formerly Invitae), Labcorp); PubMed 23867111 (cited by Labcorp Genetics (formerly Invitae), Labcorp); PubMed 25814778 (cited by Labcorp Genetics (formerly Invitae), Labcorp); PubMed 26306726 (cited by Labcorp Genetics (formerly Invitae), Labcorp); PubMed 30209399 (cited by Labcorp Genetics (formerly Invitae), Labcorp).